The following is an entry in ClinVar:

NM_022132.5(MCCC2):c.641G>C (p.Gly214Ala)

Gene: MCCC2 (methylcrotonyl-CoA carboxylase subunit 2; plus strand). Cytogenetic location: 5q13.2.
Variant type: single nucleotide variant.
Coding change: c.641G>C on transcript NM_022132.5 (MANE Select); coding-DNA position 641, G replaced by C.
Protein change: p.Gly214Ala; replaces glycine 214 with alanine.
Molecular consequence: missense variant. On other transcripts: intron variant (1).
Genome position (GRCh38, 1-based): chr5:71,626,656, G>C. VCF-style: chr5-71626656-G-C. GRCh37 (hg19) VCF-style: chr5-70922483-G-C.
Other names: c.625-5465G>C (NM_001363147.1); short protein forms G214A.
Identifiers: ClinVar variation 650003 (VCV000650003.18), dbSNP rs277995, ClinGen allele CA3297833.

ClinVar aggregate classification (germline): Pathogenic/Likely pathogenic. Review status: criteria provided, multiple submitters, no conflicts (2 of 4 stars). 8 submissions from 8 submitters: Pathogenic (1); Likely pathogenic (7). Last evaluated 2026-03-06.

Conditions:
Methylcrotonyl-CoA carboxylase deficiency. Also called: Deficiency of methylcrotonoyl-CoA carboxylase; 3 Methylcrotonylglycinuria; 3-MCC Deficiency. Identifiers: Orphanet 6, MedGen C4551505, MONDO:0018950.
3-methylcrotonyl-CoA carboxylase 2 deficiency. Also called: METHYLCROTONYLGLYCINURIA, TYPE II; 3 alpha methylcrotonyl-CoA carboxylase 2 deficiency; 3 alpha methylcrotonylglycinuria 2; MCC 2 deficiency; Methylcrotonylglycinuria type 2. Identifiers: Orphanet 6, MedGen C1859499, MONDO:0008862, OMIM 210210.
MCCC2-related disorder. Also called: MCCC2-related condition.

Allele frequency attached by ClinVar (database versions not stated): ExAC 0.00001; gnomAD exomes 0.00003 and 0.00007; TOPMed 0.00004; gnomAD 0.00005.
gnomAD v4.1: 124 of 1,613,590 alleles (0.0077%); highest among the groups gnomAD compares: Non-Finnish European, 0.0092%; no homozygotes.

Submissions (8):

Dasa
Classification: Likely pathogenic. Last evaluated: 2026-03-06. Review status: criteria provided, single submitter. Criteria: DASA Assertion Criteria. Collection method: clinical testing. Allele origin: germline.
Comment: NM_022132.5(MCCC2):c.641G>C (p.Gly214Ala) is a missense variant that results in the substitution of glycine with alanine. This variant has been recurrently observed in individuals with related phenotype (PMID: 35281663; PMID: 27601257). Multiple computational predictions support a deleterious effect on the gene or gene product. The variant is present at low frequency in population datasets. Based on the available data, this variant is classified as likely pathogenic.

Myriad Genetics, Inc.
Classification: Likely pathogenic for 3-methylcrotonyl-CoA carboxylase 2 deficiency. Last evaluated: 2025-10-29. Review status: criteria provided, single submitter. Criteria: Myriad Autosomal Dominant, Autosomal Recessive and X-Linked Classification Criteria (2023). Collection method: clinical testing. Allele origin: unknown.
Comment: NM_022132.4(MCCC2):c.641G>C(G214A) is a missense variant classified as likely pathogenic in the context of 3-methylcrotonyl-CoA carboxylase deficiency, MCC2-related. G214A has been observed in cases with relevant disease (PMID: 27601257, 35281663). Relevant functional assessments of this variant are not available in the literature. G214A has been observed in referenced population frequency databases. In summary, NM_022132.4(MCCC2):c.641G>C(G214A) is a missense variant that has been observed more frequently in cases with the relevant disease than in healthy populations. Please note: this variant was assessed in the context of healthy population screening.

Natera, Inc.
Classification: Likely pathogenic for 3-methylcrotonyl-CoA carboxylase 2 deficiency. Last evaluated: 2025-09-19. Review status: criteria provided, single submitter. Criteria: Natera Variant Classification Schema (03/2026). Collection method: clinical testing. Allele origin: germline.
Comment: The c.641G>C variant in MCCC2 is a missense variant predicted to cause substitution of glycine to alanine at amino acid 214. This variant is rare in the general population with a frequency below the threshold expected for the associated phenotype(s). This variant has been observed in one or more individuals affected with the associated recessive disease, as either homozygous or compound heterozygous with a second variant (PMID: 35281663, 27601257). This variant has been identified in one or more affected individual with a phenotype highly consistent with the associated gene (PMID: 30626930). Computational prediction algorithms indicate this variant is likely to affect gene or protein function. Given the available evidence, this variant is classified as Likely Pathogenic.

Labcorp Genetics (formerly Invitae), Labcorp
Classification: Pathogenic for 3-methylcrotonyl-CoA carboxylase 2 deficiency. Last evaluated: 2025-08-12. Review status: criteria provided, single submitter. Criteria: Invitae Variant Classification Sherloc (09022015). Collection method: clinical testing. Allele origin: germline.
Comment: This sequence change replaces glycine, which is neutral and non-polar, with alanine, which is neutral and non-polar, at codon 214 of the MCCC2 protein (p.Gly214Ala). This variant is present in population databases (rs277995, gnomAD 0.008%). This missense change has been observed in individual(s) with clinical features of 3-methylcrotonyl-CoA carboxylase deficiency (internal data). In at least one individual the data is consistent with being in trans (on the opposite chromosome) from a pathogenic variant. ClinVar contains an entry for this variant (Variation ID: 650003). Invitae Evidence Modeling of protein sequence and biophysical properties (such as structural, functional, and spatial information, amino acid conservation, physicochemical variation, residue mobility, and thermodynamic stability) indicates that this missense variant is expected to disrupt MCCC2 protein function with a positive predictive value of 80%. For these reasons, this variant has been classified as Pathogenic.

PreventionGenetics, part of Exact Sciences
Classification: Likely pathogenic for MCCC2-related condition. Last evaluated: 2025-01-30. Review status: criteria provided, single submitter. Criteria: ACMG Guidelines, 2015. Collection method: clinical testing. Allele origin: germline.
Comment: The MCCC2 c.641G>C variant is predicted to result in the amino acid substitution p.Gly214Ala. This variant has been reported along with a second MCCC2 variant in several individuals with abnormal newborn screening results suggestive of 3-methylcrotonyl-CoA carboxylase (MCC) deficiency (Fonseca et al. 2016. PubMed ID: 27601257; Martín-Rivada et al. 2022. PubMed ID: 35281663). This variant has also been reported in a large cohort study of individuals with a positive newborn screening result for an inborn error of metabolism (Table S5 in Adhikari et al. 2020. PubMed ID: 32778825). This variant was found in the homozygous state in two affected siblings (Internal Data, PreventionGenetics). This variant is reported in 0.0085% of alleles in individuals of European (Non-Finnish) descent in gnomAD. This variant is interpreted as likely pathogenic.

GeneDx
Classification: Likely pathogenic. Last evaluated: 2024-06-15. Review status: criteria provided, single submitter. Criteria: GeneDx Variant Classification Process June 2021. Collection method: clinical testing. Allele origin: germline. Affected: yes.
Comment: Not observed at significant frequency in large population cohorts (gnomAD); In silico analysis supports that this missense variant has a deleterious effect on protein structure/function; This variant is associated with the following publications: (PMID: 32778825, 35281663, 27601257)

Fulgent Genetics
Classification: Likely pathogenic for 3-methylcrotonyl-CoA carboxylase 2 deficiency. Last evaluated: 2024-04-26. Review status: criteria provided, single submitter. Criteria: ACMG Guidelines, 2015. Collection method: clinical testing. Allele origin: germline.

Women's Health and Genetics/Laboratory Corporation of America, LabCorp
Classification: Likely pathogenic for Methylcrotonyl-CoA carboxylase deficiency. Last evaluated: 2024-01-25. Review status: criteria provided, single submitter. Criteria: LabCorp Variant Classification Summary - May 2015. Collection method: clinical testing. Allele origin: germline.
Comment: Variant summary: MCCC2 c.641G>C (p.Gly214Ala) results in a non-conservative amino acid change located in the Acetyl-coenzyme A carboxyltransferase, N-terminal (IPR011762) of the encoded protein sequence. Five of five in-silico tools predict a damaging effect of the variant on protein function. The variant allele was found at a frequency of 2.8e-05 in 251414 control chromosomes. c.641G>C has been reported in the literature in at-least four individuals affected with Methylcrotonyl-CoA Carboxylase Deficiency through newborn screenings (example, Adhikari_2020, Fonseca_2016, Navarrete_2019). These data indicate that the variant is likely to be associated with disease. To our knowledge, no experimental evidence demonstrating an impact on protein function has been reported. The following publications have been ascertained in the context of this evaluation (PMID: 32778825, 27601257, 30626930). ClinVar contains an entry for this variant (Variation ID: 650003). Based on the evidence outlined above, the variant was classified as likely pathogenic.

Literature cited by the submitters: PubMed 35281663 (cited by 3 submitters); PubMed 27601257 (cited by 4 submitters); PubMed 30626930 (cited by Natera, Inc. and Women's Health and Genetics/Laboratory Corporation of America, LabCorp); PubMed 32778825 (cited by Women's Health and Genetics/Laboratory Corporation of America, LabCorp).